The following is an entry in ClinVar:

ClinVar aggregate classification (germline): Benign/Likely benign. Review status: criteria provided, multiple submitters, no conflicts (2 of 4 stars). 5 submissions from 5 submitters: Benign (2); Likely benign (3). Last evaluated 2026-01-27.

Conditions:
Ataxia-telangiectasia-like disorder (ATLD). Identifiers: MedGen C1858391, MONDO:0011457.
Hereditary cancer-predisposing syndrome. Also called: Tumor predisposition; Neoplastic Syndromes, Hereditary; Hereditary neoplastic syndrome; Hereditary Cancer Syndrome. Identifiers: Orphanet 140162, MedGen C0027672, MeSH D009386, MONDO:0015356.
Ataxia-telangiectasia-like disorder 1 (ATLD1). Identifiers: Orphanet 251347, MedGen C4012790, MONDO:0024557, OMIM 604391.

Allele frequency attached by ClinVar (database versions not stated): TOPMed 0.00003; gnomAD 0.00006 and 0.00003; ExAC 0.00014; gnomAD exomes 0.00014; 1000 Genomes Project 30x 0.00078; 1000 Genomes Project 0.00100.
gnomAD v4.1: 65 of 1,614,124 alleles (0.004%); highest among the groups gnomAD compares: East Asian, 0.087%; no homozygotes.

Submissions (5):

Labcorp Genetics (formerly Invitae), Labcorp
Classification: Likely benign for Ataxia-telangiectasia-like disorder. Last evaluated: 2026-01-27. Review status: criteria provided, single submitter. Criteria: Invitae Variant Classification Sherloc (09022015). Collection method: clinical testing. Allele origin: germline.

KCCC/NGS Laboratory, Kuwait Cancer Control Center
Classification: Benign for Ataxia-telangiectasia-like disorder 1. Last evaluated: 2025-02-01. Review status: criteria provided, single submitter. Criteria: ACMG Guidelines, 2015. Collection method: clinical testing. Allele origin: germline. Affected: no.

Blueprint Genetics
Classification: Likely benign. Last evaluated: 2024-11-21. Review status: criteria provided, single submitter. Criteria: ACMG Guidelines, 2015. Collection method: clinical testing. Allele origin: germline.

Women's Health and Genetics/Laboratory Corporation of America, LabCorp
Classification: Benign. Last evaluated: 2024-07-05. Review status: criteria provided, single submitter. Criteria: LabCorp Variant Classification Summary - May 2015. Collection method: clinical testing. Allele origin: germline.
Comment: Variant summary: MRE11A c.1443A>G alters a non-conserved nucleotide resulting in a synonymous change. Consensus agreement among computation tools predict no significant impact on normal splicing. However, these predictions have yet to be confirmed by functional studies. The variant allele was found at a frequency of 0.00013 in 282800 control chromosomes, predominantly at a frequency of 0.0015 within the East Asian subpopulation in the gnomAD database. The observed variant frequency within East Asian control individuals in the gnomAD database is approximately 24 fold of the estimated maximal expected allele frequency for a pathogenic variant in MRE11A causing Hereditary Breast And Ovarian Cancer Syndrome phenotype (6.3e-05). To our knowledge, no occurrence of c.1443A>G in individuals affected with Hereditary Breast And Ovarian Cancer Syndrome and no experimental evidence demonstrating its impact on protein function have been reported. ClinVar contains an entry for this variant (Variation ID: 186802). Based on the evidence outlined above, the variant was classified as benign.

Ambry Genetics
Classification: Likely benign for Hereditary cancer-predisposing syndrome. Last evaluated: 2014-10-23. Review status: criteria provided, single submitter. Criteria: Ambry Variant Classification Scheme 2023. Collection method: clinical testing. Allele origin: germline.

NM_005591.4(MRE11):c.1443A>G (p.Thr481=)

Gene: MRE11 (MRE11 double strand break repair nuclease; minus strand). Cytogenetic location: 11q21.
Variant type: single nucleotide variant.
Coding change: c.1443A>G on transcript NM_005591.4 (MANE Select); coding-DNA position 1443, A replaced by G.
Protein change: p.Thr481=; no amino-acid change (threonine 481 retained).
Molecular consequence: synonymous variant.
Genome position (GRCh38, 1-based): chr11:94,459,465, T>C on the plus strand (A>G on the coding strand, the complement: MRE11 is on the minus strand). VCF-style: chr11-94459465-T-C. GRCh37 (hg19) VCF-style: chr11-94192631-T-C.
Other names: c.1443A>G, p.Thr481= (NM_001330347.2, NM_005590.4).
Identifiers: ClinVar variation 186802 (VCV000186802.19), dbSNP rs375077574, ClinGen allele CA333905.